The following is an entry in ClinVar:

NM_001830.4(CLCN4):c.563C>T (p.Thr188Ile)

Gene: CLCN4 (chloride voltage-gated channel 4; plus strand). Cytogenetic location: Xp22.2.
Variant type: single nucleotide variant.
Coding change: c.563C>T on transcript NM_001830.4 (MANE Select); coding-DNA position 563, C replaced by T.
Protein change: p.Thr188Ile; replaces threonine 188 with isoleucine.
Molecular consequence: missense variant.
Genome position (GRCh38, 1-based): chrX:10,206,365, C>T. VCF-style: chrX-10206365-C-T. GRCh37 (hg19) VCF-style: chrX-10174405-C-T.
Other names: c.281C>T, p.Thr94Ile (NM_001256944.2); short protein forms T188I, T94I.
Identifiers: ClinVar variation 2571684 (VCV002571684.1), dbSNP rs2518884211, ClinGen allele CA412036252.
Genomic context (GRCh38, chrX:10,206,365, plus strand): 5'-TAGCCATGGATTGAAGGAGTTCATTCCCTCTTGTTCTCCATCCTCTGTTTCAGATAAAGA[C>T]CATTTTGAGCGGCTTTATCATCAGGGGCTACTTGGGGAAGTGGACCCTGCTAATCAAGAC-3'
Protein context (NP_001821.2, residues 178-198): ACGSGIPEIK[Thr188Ile]ILSGFIIRGY

ClinVar aggregate classification (germline): Uncertain significance (1 of 4 stars; one submission).

Submission:

GeneDx
Classification: Uncertain significance. Last evaluated: 2023-01-03. Review status: criteria provided, single submitter. Criteria: GeneDx Variant Classification Process June 2021. Collection method: clinical testing. Allele origin: germline. Affected: yes.
Comment: Not observed at significant frequency in large population cohorts (gnomAD); In silico analysis supports that this missense variant has a deleterious effect on protein structure/function; Has not been previously published as pathogenic or benign to our knowledge